The following is an entry in ClinVar:

NM_182961.4(SYNE1):c.5990T>C (p.Ile1997Thr)

Gene: SYNE1 (spectrin repeat containing nuclear envelope protein 1; minus strand). Cytogenetic location: 6q25.2.
Variant type: single nucleotide variant.
Coding change: c.5990T>C on transcript NM_182961.4 (MANE Select); coding-DNA position 5990, T replaced by C.
Protein change: p.Ile1997Thr; replaces isoleucine 1997 with threonine.
Molecular consequence: missense variant.
Genome position (GRCh38, 1-based): chr6:152,416,447, A>G on the plus strand (T>C on the coding strand, the complement: SYNE1 is on the minus strand). VCF-style: chr6-152416447-A-G. GRCh37 (hg19) VCF-style: chr6-152737582-A-G.
Other names: c.6011T>C, p.Ile2004Thr (NM_033071.5); short protein forms I1997T, I2004T.
Identifiers: ClinVar variation 2154374 (VCV002154374.4), dbSNP rs142332334, ClinGen allele CA4058193.

ClinVar aggregate classification (germline): Uncertain significance (1 of 4 stars; one submission).

Conditions:
Autosomal recessive ataxia, Beauce type. Also called: SYNE1-Related Autosomal Recessive Cerebellar Ataxia; Spinocerebellar ataxia, autosomal recessive 8; ATAXIA, RECESSIVE, OF BEAUCE; SYNE1 Deficiency. Identifiers: Orphanet 88644, MedGen C1853116, MONDO:0012549, OMIM 610743.
Emery-Dreifuss muscular dystrophy 4, autosomal dominant (EDMD4). Also called: EMERY-DREIFUSS MUSCULAR DYSTROPHY 4 WITH VARIABLE FEATURES. Identifiers: Orphanet 261, MedGen C2751807, MONDO:0013071, OMIM 612998.

Allele frequency attached by ClinVar (database versions not stated): ExAC 0.00001; gnomAD 0.00001; gnomAD exomes 0.00001; TOPMed 0.00001; ESP Exome Variant Server 0.00008.
gnomAD v4.1: 11 of 1,613,998 alleles (0.00068%); highest among the groups gnomAD compares: Middle Eastern, 0.016%; no homozygotes.

Submission:

Labcorp Genetics (formerly Invitae), Labcorp
Classification: Uncertain significance for Emery-Dreifuss muscular dystrophy 4, autosomal dominant; Autosomal recessive ataxia, Beauce type. Last evaluated: 2022-07-19. Review status: criteria provided, single submitter. Criteria: Invitae Variant Classification Sherloc (09022015). Collection method: clinical testing. Allele origin: germline.
Comment: In summary, the available evidence is currently insufficient to determine the role of this variant in disease. Therefore, it has been classified as a Variant of Uncertain Significance. Algorithms developed to predict the effect of missense changes on protein structure and function (SIFT, PolyPhen-2, Align-GVGD) all suggest that this variant is likely to be tolerated. This variant has not been reported in the literature in individuals affected with SYNE1-related conditions. This variant is present in population databases (rs142332334, gnomAD 0.003%). This sequence change replaces isoleucine, which is neutral and non-polar, with threonine, which is neutral and polar, at codon 2004 of the SYNE1 protein (p.Ile2004Thr).